The following is an entry in ClinVar:

NM_001378418.1(TCF20):c.3072A>G (p.Arg1024=)

Gene: TCF20 (transcription factor 20; minus strand). Cytogenetic location: 22q13.2.
Variant type: single nucleotide variant.
Coding change: c.3072A>G on transcript NM_001378418.1 (MANE Select); coding-DNA position 3072, A replaced by G.
Protein change: p.Arg1024=; no amino-acid change (arginine 1024 retained).
Molecular consequence: synonymous variant.
Genome position (GRCh38, 1-based): chr22:42,212,234, T>C on the plus strand (A>G on the coding strand, the complement: TCF20 is on the minus strand). VCF-style: chr22-42212234-T-C. GRCh37 (hg19) VCF-style: chr22-42608240-T-C.
Other names: c.3072A>G, p.Arg1024= (NM_005650.4, NM_181492.3).
Identifiers: ClinVar variation 1879563 (VCV001879563.34), dbSNP rs557229114, ClinGen allele CA10266903.
Genomic context (GRCh38, chr22:42,212,234, plus strand): 5'-GTTAGCCCTCTCTGAAAAGGTCATGTGTGGATTCATGTGATGAGGGTCTCCCCCTGGGCC[T>C]CTGCTCCGCCCAGGAGACATTTTCAATTTTTCTGCAAAGTCATGATATTGAGAAGGGGAC-3'
Protein context (NP_001365347.1, residues 1014-1034): EKLKMSPGRS[Arg1024=]GPGGDPHHMN

ClinVar aggregate classification (germline): Likely benign. Review status: criteria provided, multiple submitters, no conflicts (2 of 4 stars). 2 submissions from 2 submitters: Likely benign (2). Last evaluated 2026-04-01.

Allele frequency attached by ClinVar (database versions not stated): ExAC 0.00004; gnomAD 0.00005; TOPMed 0.00008; gnomAD exomes 0.00011.
gnomAD v4.1: 166 of 1,614,104 alleles (0.01%); highest among the groups gnomAD compares: Non-Finnish European, 0.013%; 1 homozygote.

Submissions (2):

CeGaT Center for Human Genetics Tuebingen
Classification: Likely benign. Last evaluated: 2026-04-01. Review status: criteria provided, single submitter. Criteria: CeGaT Center For Human Genetics Tuebingen Variant Classification Criteria Version 2. Collection method: clinical testing. Allele origin: germline. Affected: yes. Observed: 2 variant alleles.
Comment: TCF20: BP4, BP7

Labcorp Genetics (formerly Invitae), Labcorp
Classification: Likely benign. Last evaluated: 2024-05-15. Review status: criteria provided, single submitter. Criteria: Invitae Variant Classification Sherloc (09022015). Collection method: clinical testing. Allele origin: germline.